The following is an entry in ClinVar:

NM_024408.4(NOTCH2):c.1109-3C>T

Gene: NOTCH2 (notch receptor 2; minus strand). Cytogenetic location: 1p12.
Variant type: single nucleotide variant.
Coding change: c.1109-3C>T on transcript NM_024408.4 (MANE Select); 3 bases into the intron before coding-DNA position 1109, C replaced by T.
Molecular consequence: intron variant.
Genome position (GRCh38, 1-based): chr1:119,968,235, G>A on the plus strand (C>T on the coding strand, the complement: NOTCH2 is on the minus strand). VCF-style: chr1-119968235-G-A. GRCh37 (hg19) VCF-style: chr1-120510858-G-A.
Other names: c.1109-3C>T (NM_001200001.2).
Identifiers: ClinVar variation 4702712 (VCV004702712.1).

ClinVar aggregate classification (germline): Uncertain significance (1 of 4 stars; one submission).

Conditions:
Hajdu-Cheney syndrome (HJCYS). Also called: SERPENTINE FIBULA-POLYCYSTIC KIDNEY SYNDROME; Acroosteolysis dominant type; ACROOSTEOLYSIS WITH OSTEOPOROSIS AND CHANGES IN SKULL AND MANDIBLE. Identifiers: Orphanet 955, MedGen C0917715, MONDO:0007057, OMIM 102500.

gnomAD v4.1: 7 of 1,613,696 alleles (0.00043%); highest among the groups gnomAD compares: East Asian, 0.0067%; no homozygotes.

Submission:

Labcorp Genetics (formerly Invitae), Labcorp
Classification: Uncertain significance for Hajdu-Cheney syndrome. Last evaluated: 2025-09-23. Review status: criteria provided, single submitter. Criteria: Invitae Variant Classification Sherloc (09022015). Collection method: clinical testing. Allele origin: germline.
Comment: This sequence change falls in intron 6 of the NOTCH2 gene. It does not directly change the encoded amino acid sequence of the NOTCH2 protein. It affects a nucleotide within the consensus splice site. This variant is present in population databases (no rsID available, gnomAD 0.01%). This variant has not been reported in the literature in individuals affected with NOTCH2-related conditions. Variants that disrupt the consensus splice site are a relatively common cause of aberrant splicing (PMID: 17576681, 9536098). Algorithms developed to predict the effect of sequence changes on RNA splicing suggest that this variant is not likely to affect RNA splicing. In summary, the available evidence is currently insufficient to determine the role of this variant in disease. Therefore, it has been classified as a Variant of Uncertain Significance.

Literature cited by the submitters: PubMed 17576681; PubMed 9536098.